The following is an entry in ClinVar:

ClinVar aggregate classification (germline): Uncertain significance (1 of 4 stars; one submission).

Allele frequency attached by ClinVar (database versions not stated): gnomAD exomes below 0.00001 and 0.00001; TOPMed below 0.00001.
gnomAD v4.1: 2 of 1,613,864 alleles (0.00012%); highest among the groups gnomAD compares: Admixed American, 0.0033%; no homozygotes.

Submission:

Labcorp Genetics (formerly Invitae), Labcorp
Classification: Uncertain significance. Last evaluated: 2019-12-11. Review status: criteria provided, single submitter. Criteria: Invitae Variant Classification Sherloc (09022015). Collection method: clinical testing. Allele origin: germline.
Comment: This sequence change replaces histidine with leucine at codon 1002 of the RBP3 protein (p.His1002Leu). The histidine residue is moderately conserved and there is a moderate physicochemical difference between histidine and leucine. This variant is not present in population databases (ExAC no frequency). In summary, the available evidence is currently insufficient to determine the role of this variant in disease. Therefore, it has been classified as a Variant of Uncertain Significance. Algorithms developed to predict the effect of missense changes on protein structure and function are either unavailable or do not agree on the potential impact of this missense change (SIFT: "Deleterious"; PolyPhen-2: "Benign"; Align-GVGD: "Class C0"). This variant has not been reported in the literature in individuals with RBP3-related conditions.

NM_002900.3(RBP3):c.3005A>T (p.His1002Leu)

Gene: RBP3 (retinol binding protein 3; plus strand). Cytogenetic location: 10q11.22.
Variant type: single nucleotide variant.
Coding change: c.3005A>T on transcript NM_002900.3 (MANE Select); coding-DNA position 3005, A replaced by T.
Protein change: p.His1002Leu; replaces histidine 1002 with leucine.
Molecular consequence: missense variant.
Genome position (GRCh38, 1-based): chr10:47,351,489, A>T. VCF-style: chr10-47351489-A-T. GRCh37 (hg19) VCF-style: chr10-48387873-T-A.
Other names: short protein forms H1002L.
Identifiers: ClinVar variation 835650 (VCV000835650.9), dbSNP rs1555211587, ClinGen allele CA376676030.